The following is an entry in ClinVar:

NM_020384.4(CLDN2):c.193G>C (p.Asp65His)

Gene: CLDN2 (claudin 2; plus strand). Cytogenetic location: Xq22.3.
Variant type: single nucleotide variant.
Coding change: c.193G>C on transcript NM_020384.4 (MANE Select); coding-DNA position 193, G replaced by C.
Protein change: p.Asp65His; replaces aspartic acid 65 with histidine.
Molecular consequence: missense variant.
Genome position (GRCh38, 1-based): chrX:106,928,421, G>C. VCF-style: chrX-106928421-G-C. GRCh37 (hg19) VCF-style: chrX-106171651-G-C.
Other names: c.193G>C, p.Asp65His (NM_001171092.1, NM_001171095.2); short protein forms D65H.
Identifiers: ClinVar variation 64495 (VCV000064495.2), dbSNP rs387907423, ClinGen allele CA216268.
Genomic context (GRCh38, chrX:106,928,421, plus strand): 5'-GGCTTCTCCAAGGGCCTCTGGATGGAATGTGCCACACACAGCACAGGCATCACCCAGTGT[G>C]ACATCTATAGCACCCTTCTGGGCCTGCCCGCTGACATCCAGGCTGCCCAGGCCATGATGG-3'
Protein context (NP_065117.1, residues 55-75): ATHSTGITQC[Asp65His]IYSTLLGLPA

ClinVar aggregate classification (germline): Uncertain significance (0 of 4 stars; one submission).

Submission:

Martin Pollak Laboratory,  Beth Israel Deaconess Medical Center
Classification: Uncertain significance. Review status: no assertion criteria provided. Collection method: not provided. Allele origin: unknown.
Comment: Lower UCa2+ group
ClinVar note: Converted during submission from unknown to Uncertain significance.